The following is an entry in ClinVar:

NM_001875.5(CPS1):c.1970G>A (p.Gly657Asp)

Gene: CPS1 (carbamoyl-phosphate synthase 1; plus strand). Cytogenetic location: 2q34.
Variant type: single nucleotide variant.
Coding change: c.1970G>A on transcript NM_001875.5 (MANE Select); coding-DNA position 1970, G replaced by A.
Protein change: p.Gly657Asp; replaces glycine 657 with aspartic acid.
Molecular consequence: missense variant. On other transcripts: non-coding transcript variant (2).
Genome position (GRCh38, 1-based): chr2:210,605,235, G>A. VCF-style: chr2-210605235-G-A. GRCh37 (hg19) VCF-style: chr2-211469959-G-A.
Other names: c.1970G>A, p.Gly657Asp (NM_001122633.3, NM_001369257.1); c.2003G>A, p.Gly668Asp (NM_001369256.1); short protein forms G657D, G668D.
Identifiers: ClinVar variation 1720808 (VCV001720808.6), dbSNP rs2469164084, ClinGen allele CA350438229.

ClinVar aggregate classification (germline): Uncertain significance (1 of 4 stars; one submission).

Conditions:
Congenital hyperammonemia, type I. Also called: Carbamoyl-phosphate synthase I deficiency; CPS I DEFICIENCY; Carbamoyl phosphate synthetase 1 deficiency; Hyperammonemia due to carbamoyl phosphate synthetase 1 deficiency; CPS 1 deficiency; Carbamyl phosphate synthetase (CPS) deficiency. Identifiers: Orphanet 147, MedGen C4082171, MONDO:0009376, OMIM 237300.

Submission:

Labcorp Genetics (formerly Invitae), Labcorp
Classification: Uncertain significance for Congenital hyperammonemia, type I. Last evaluated: 2024-01-18. Review status: criteria provided, single submitter. Criteria: Invitae Variant Classification Sherloc (09022015). Collection method: clinical testing. Allele origin: germline.
Comment: This sequence change replaces glycine, which is neutral and non-polar, with aspartic acid, which is acidic and polar, at codon 657 of the CPS1 protein (p.Gly657Asp). This variant is not present in population databases (gnomAD no frequency). This missense change has been observed in individual(s) with clinical features of carbamoyl phosphate synthetase I deficiency (Invitae). In at least one individual the data is consistent with being in trans (on the opposite chromosome) from a pathogenic variant. ClinVar contains an entry for this variant (Variation ID: 1720808). Advanced modeling of protein sequence and biophysical properties (such as structural, functional, and spatial information, amino acid conservation, physicochemical variation, residue mobility, and thermodynamic stability) performed at Invitae indicates that this missense variant is expected to disrupt CPS1 protein function with a positive predictive value of 80%. In summary, the available evidence is currently insufficient to determine the role of this variant in disease. Therefore, it has been classified as a Variant of Uncertain Significance.